The following is an entry in ClinVar:

NM_001287491.2(TET3):c.3484C>T (p.Arg1162Trp)

Gene: TET3 (tet methylcytosine dioxygenase 3; plus strand). Cytogenetic location: 2p13.1.
Variant type: single nucleotide variant.
Coding change: c.3484C>T on transcript NM_001287491.2 (MANE Select); coding-DNA position 3484, C replaced by T.
Protein change: p.Arg1162Trp; replaces arginine 1162 with tryptophan.
Molecular consequence: missense variant.
Genome position (GRCh38, 1-based): chr2:74,099,492, C>T. VCF-style: chr2-74099492-C-T. GRCh37 (hg19) VCF-style: chr2-74326619-C-T.
Other names: c.3205C>T, p.Arg1069Trp (NM_001366022.1); short protein forms R1069W, R1162W.
Identifiers: ClinVar variation 3776493 (VCV003776493.1).

ClinVar aggregate classification (germline): Uncertain significance (1 of 4 stars; one submission).

gnomAD v4.1: 1 of 1,613,428 alleles (0.000062%); highest among the groups gnomAD compares: South Asian, 0.0011%; no homozygotes.

Submission:

GeneDx
Classification: Uncertain significance. Last evaluated: 2024-10-02. Review status: criteria provided, single submitter. Criteria: GeneDx Variant Classification Process June 2021. Collection method: clinical testing. Allele origin: germline. Affected: yes.
Comment: Not observed at significant frequency in large population cohorts (gnomAD); In silico analysis supports that this missense variant has a deleterious effect on protein structure/function; Has not been previously published as pathogenic or benign to our knowledge